The following is an entry in ClinVar:

NM_004174.4(SLC9A3):c.1420C>G (p.Arg474Gly)

Gene: SLC9A3 (solute carrier family 9 member A3). Cytogenetic location: 5p15.33.
Variant type: single nucleotide variant.
Coding change: c.1420C>G on transcript NM_004174.4 (MANE Select); coding-DNA position 1420, C replaced by G.
Protein change: p.Arg474Gly; replaces arginine 474 with glycine.
Molecular consequence: missense variant.
Genome position (GRCh38, 1-based): chr5:482,094, G>C on the plus strand (C>G on the coding strand, the complement: SLC9A3 is on the minus strand). VCF-style: chr5-482094-G-C. GRCh37 (hg19) VCF-style: chr5-482209-G-C.
Other names: c.1393C>G, p.Arg465Gly (NM_001284351.3); short protein forms R465G, R474G.
Identifiers: ClinVar variation 1972712 (VCV001972712.5), dbSNP rs1294353342, ClinGen allele CA359027008.

ClinVar aggregate classification (germline): Uncertain significance (1 of 4 stars; one submission).

gnomAD v4.1: 4 of 1,599,728 alleles (0.00025%); highest among the groups gnomAD compares: Non-Finnish European, 0.00034%; no homozygotes.

Submission:

Labcorp Genetics (formerly Invitae), Labcorp
Classification: Uncertain significance. Last evaluated: 2024-08-13. Review status: criteria provided, single submitter. Criteria: Invitae Variant Classification Sherloc (09022015). Collection method: clinical testing. Allele origin: germline.
Comment: This sequence change replaces arginine, which is basic and polar, with glycine, which is neutral and non-polar, at codon 474 of the SLC9A3 protein (p.Arg474Gly). This variant is not present in population databases (gnomAD no frequency). This variant has not been reported in the literature in individuals affected with SLC9A3-related conditions. ClinVar contains an entry for this variant (Variation ID: 1972712). Advanced modeling of protein sequence and biophysical properties (such as structural, functional, and spatial information, amino acid conservation, physicochemical variation, residue mobility, and thermodynamic stability) performed at Invitae indicates that this missense variant is not expected to disrupt SLC9A3 protein function with a negative predictive value of 80%. In summary, the available evidence is currently insufficient to determine the role of this variant in disease. Therefore, it has been classified as a Variant of Uncertain Significance.